The following is an entry in ClinVar:

ClinVar aggregate classification (germline): Conflicting classifications of pathogenicity. Review status: criteria provided, conflicting classifications (1 of 4 stars). 2 submissions from 2 submitters: Likely pathogenic (1); Uncertain significance (1). Last evaluated 2025-05-14.

Conditions:
alpha Thalassemia. Also called: Alpha thalassemia spectrum. Identifiers: Orphanet 846, MedGen C0002312, MONDO:0011399, OMIM 604131.

Allele frequency attached by ClinVar (database versions not stated): ExAC 0.00005.

Submissions (2):

Women's Health and Genetics/Laboratory Corporation of America, LabCorp
Classification: Likely pathogenic for alpha Thalassemia. Last evaluated: 2025-05-14. Review status: criteria provided, single submitter. Criteria: LabCorp Variant Classification Summary - May 2015. Collection method: clinical testing. Allele origin: germline.
Comment: Variant summary: HBA1 c.69C>T results in a synonymous change. Several computational tools predict a significant impact on normal splicing: Three predict the variant creates a 5' donor site. One predict the variant strengthens a cryptic 5' donor site. At least one publication reports experimental evidence that this variant affects mRNA splicing (Cardiero_2017). The variant allele was found at a frequency of 6.2e-06 in 161916 control chromosomes (gnomAD). c.69C>T has been observed in individuals affected with features of Alpha Thalassemia (Cardiero_2017). These data indicate that the variant may be associated with disease. The following publication has been ascertained in the context of this evaluation (PMID: 28743675). ClinVar contains an entry for this variant (Variation ID: 2681960). Based on the evidence outlined above, the variant was classified as likely pathogenic.

Quest Diagnostics Nichols Institute San Juan Capistrano
Classification: Uncertain significance. Last evaluated: 2023-01-18. Review status: criteria provided, single submitter. Criteria: Quest Diagnostics criteria. Collection method: clinical testing. Allele origin: unknown.
Comment: The frequency of this variant in the general population, 0.0000062 (1/161916 chromosomes), is uninformative in assessment of its pathogenicity. In the published literature, the variant has been reported in affected individuals with alpha thalassemia (PMID: 28743675 (2017)). A functional study found that this variant created a 5' splicing sequence with a premature termination codon (PTC) at codon 48/49 of the second exon (PMID: 28743675 (2017)). Analysis of this variant using software algorithms for the prediction of the effect of nucleotide changes on HBA1 mRNA splicing yielded predictions that this variant may result in the gain of a cryptic splice site without affecting the natural splice sites . Based on the available information, we are unable to determine the clinical significance of this variant.

Literature cited by the submitters: PubMed 28743675 (cited by Women's Health and Genetics/Laboratory Corporation of America, LabCorp and Quest Diagnostics Nichols Institute San Juan Capistrano).

NM_000558.5(HBA1):c.69C>T (p.Gly23=)

Genes: HBA1 (hemoglobin subunit alpha 1; plus strand), LOC106804613 (hemoglobin subunit alpha 1 recombination region; plus strand). Cytogenetic location: 16p13.3.
Variant type: single nucleotide variant.
Coding change: c.69C>T on transcript NM_000558.5 (MANE Select); coding-DNA position 69, C replaced by T.
Protein change: p.Gly23=; no amino-acid change (glycine 23 retained).
Molecular consequence: synonymous variant.
Genome position (GRCh38, 1-based): chr16:176,785, C>T. VCF-style: chr16-176785-C-T. GRCh37 (hg19) VCF-style: chr16-226784-C-T.
Identifiers: ClinVar variation 2681960 (VCV002681960.2), dbSNP rs768017043, ClinGen allele CA7770229.